The following is an entry in ClinVar:

ClinVar aggregate classification (germline): Uncertain significance (1 of 4 stars; one submission).

Conditions:
Dilated cardiomyopathy 1DD (CMD1DD). Identifiers: Orphanet 154, MedGen C2750995, MONDO:0013168, OMIM 613172.

Submission:

Labcorp Genetics (formerly Invitae), Labcorp
Classification: Uncertain significance for Dilated cardiomyopathy 1DD. Last evaluated: 2023-06-05. Review status: criteria provided, single submitter. Criteria: Invitae Variant Classification Sherloc (09022015). Collection method: clinical testing. Allele origin: germline.
Comment: This sequence change replaces glycine, which is neutral and non-polar, with aspartic acid, which is acidic and polar, at codon 336 of the RBM20 protein (p.Gly336Asp). In summary, the available evidence is currently insufficient to determine the role of this variant in disease. Therefore, it has been classified as a Variant of Uncertain Significance. Advanced modeling of protein sequence and biophysical properties (such as structural, functional, and spatial information, amino acid conservation, physicochemical variation, residue mobility, and thermodynamic stability) performed at Invitae indicates that this missense variant is not expected to disrupt RBM20 protein function. This variant has not been reported in the literature in individuals affected with RBM20-related conditions. This variant is not present in population databases (gnomAD no frequency).

NM_001134363.3(RBM20):c.1007G>A (p.Gly336Asp)

Gene: RBM20 (RNA binding motif protein 20; plus strand). Cytogenetic location: 10q25.2.
Variant type: single nucleotide variant.
Coding change: c.1007G>A on transcript NM_001134363.3 (MANE Select); coding-DNA position 1007, G replaced by A.
Protein change: p.Gly336Asp; replaces glycine 336 with aspartic acid.
Molecular consequence: missense variant.
Genome position (GRCh38, 1-based): chr10:110,781,616, G>A. VCF-style: chr10-110781616-G-A. GRCh37 (hg19) VCF-style: chr10-112541374-G-A.
Other names: short protein forms G336D.
Identifiers: ClinVar variation 2874616 (VCV002874616.3), dbSNP rs2493412849, ClinGen allele CA378385270.